The following is an entry in ClinVar:

NM_006254.4(PRKCD):c.1469C>T (p.Ala490Val)

Gene: PRKCD (protein kinase C delta; plus strand). Cytogenetic location: 3p21.1.
Variant type: single nucleotide variant.
Coding change: c.1469C>T on transcript NM_006254.4 (MANE Select); coding-DNA position 1469, C replaced by T.
Protein change: p.Ala490Val; replaces alanine 490 with valine.
Molecular consequence: missense variant.
Genome position (GRCh38, 1-based): chr3:53,188,773, C>T. VCF-style: chr3-53188773-C-T. GRCh37 (hg19) VCF-style: chr3-53222789-C-T.
Other names: c.1469C>T, p.Ala490Val (NM_001316327.2, NM_001354679.2, NM_001354680.2 and 1 more transcripts); c.1526C>T, p.Ala509Val (NM_001354676.2); c.1517C>T, p.Ala506Val (NM_001354678.2); short protein forms A490V, A509V, A506V.
Identifiers: ClinVar variation 2100549 (VCV002100549.4), dbSNP rs2471105326, ClinGen allele CA353223231.

ClinVar aggregate classification (germline): Uncertain significance (1 of 4 stars; one submission).

Conditions:
Autoimmune lymphoproliferative syndrome, type III caused by mutation in PRKCD. Identifiers: Orphanet 3261, Orphanet 664711, MedGen C3809928, MONDO:8000024, OMIM 615559.

Submission:

Labcorp Genetics (formerly Invitae), Labcorp
Classification: Uncertain significance for Autoimmune lymphoproliferative syndrome, type III caused by mutation in PRKCD. Last evaluated: 2022-02-20. Review status: criteria provided, single submitter. Criteria: Invitae Variant Classification Sherloc (09022015). Collection method: clinical testing. Allele origin: germline.
Comment: In summary, the available evidence is currently insufficient to determine the role of this variant in disease. Therefore, it has been classified as a Variant of Uncertain Significance. Algorithms developed to predict the effect of missense changes on protein structure and function (SIFT, PolyPhen-2, Align-GVGD) all suggest that this variant is likely to be disruptive. This variant has not been reported in the literature in individuals affected with PRKCD-related conditions. This variant is not present in population databases (gnomAD no frequency). This sequence change replaces alanine, which is neutral and non-polar, with valine, which is neutral and non-polar, at codon 490 of the PRKCD protein (p.Ala490Val).